The following is an entry in ClinVar:

ClinVar aggregate classification (germline): Uncertain significance (1 of 4 stars; one submission).

Submission:

GeneDx
Classification: Uncertain significance. Last evaluated: 2025-05-07. Review status: criteria provided, single submitter. Criteria: GeneDx Variant Classification Process June 2021. Collection method: clinical testing. Allele origin: germline. Affected: yes.
Comment: Not observed at significant frequency in large population cohorts (gnomAD); In silico analysis supports that this missense variant has a deleterious effect on protein structure/function; Has not been previously published as pathogenic or benign to our knowledge

NM_000612.6(IGF2):c.149T>G (p.Phe50Cys)

Genes: IGF2 (insulin like growth factor 2; minus strand), INS-IGF2 (INS-IGF2 readthrough; minus strand). Cytogenetic location: 11p15.5.
Variant type: single nucleotide variant.
Coding change: c.149T>G on transcript NM_000612.6 (MANE Select); coding-DNA position 149, T replaced by G.
Protein change: p.Phe50Cys; replaces phenylalanine 50 with cysteine.
Molecular consequence: missense variant. On other transcripts: non-coding transcript variant (1).
Genome position (GRCh38, 1-based): chr11:2,135,375, A>C on the plus strand (T>G on the coding strand, the complement: IGF2 is on the minus strand). VCF-style: chr11-2135375-A-C. GRCh37 (hg19) VCF-style: chr11-2156605-A-C.
Other names: c.149T>G, p.Phe50Cys (NM_001007139.6, NM_001291861.3, NM_001291862.3); c.317T>G, p.Phe106Cys (NM_001127598.3); short protein forms F106C, F50C.
Identifiers: ClinVar variation 4528161 (VCV004528161.1).
Genomic context (GRCh38, chr11:2,135,375, plus strand): 5'-GGTCACTCTAGGGGCCTGACCAGGTCTGAGGAAGCCCCTCCCAGCTACTTACTGAAGTAG[A>C]AGCCGCGGTCCCCACAGACGAACTGGAGGGTGTCCACCAGCTCCCCGCCGCACAGGGTCT-3'
Protein context (NP_000603.1, residues 40-60): TLQFVCGDRG[Phe50Cys]YFSRPASRVS